The following is an entry in ClinVar:

ClinVar aggregate classification (germline): Pathogenic (1 of 4 stars; one submission).

Conditions:
Medium-chain acyl-coenzyme A dehydrogenase deficiency (ACADMD). Also called: CARNITINE DEFICIENCY SECONDARY TO MEDIUM-CHAIN ACYL-CoA DEHYDROGENASE DEFICIENCY; Medium chain acyl-CoA dehydrogenase deficiency; MCADD; MCADH DEFICIENCY; MCAD Deficiency; ACADM DEFICIENCY. Identifiers: Orphanet 42, MedGen C0220710, MONDO:0008721, OMIM 201450.

Submission:

Labcorp Genetics (formerly Invitae), Labcorp
Classification: Pathogenic for Medium-chain acyl-coenzyme A dehydrogenase deficiency. Last evaluated: 2019-04-01. Review status: criteria provided, single submitter. Criteria: Invitae Variant Classification Sherloc (09022015). Collection method: clinical testing. Allele origin: germline.
Comment: This variant is a gross deletion of the genomic region encompassing exon 1 of the ACADM gene, which includes the initiator codon. The 5' end of this event is unknown as it extends beyond the assayed region for this gene and therefore may encompass additional genes. The 3' boundary is likely confined to intron 1 of the ACADM gene. This is expected to result in an absent or disrupted protein product. This variant has not been reported in the literature in individuals with ACADM-related conditions. Loss-of-function variants in ACADM are known to be pathogenic (PMID: 16121256, 20434380). For these reasons, this variant has been classified as Pathogenic.

NC_000001.11:g.(?_75724768)_(75724837_?)del

Gene: ACADM (acyl-CoA dehydrogenase medium chain; plus strand). Cytogenetic location: 1p31.1.
Variant type: Deletion.
Identifiers: ClinVar variation 831210 (VCV000831210.1).